The following is an entry in ClinVar:

ClinVar aggregate classification (germline): Uncertain significance (1 of 4 stars; one submission).

Conditions:
Long QT syndrome (LQTS). Identifiers: MedGen C0023976, MeSH D008133, MONDO:0002442. Disease mechanism: loss of function. Inheritance: Various modes of inheritance.

Submission:

Labcorp Genetics (formerly Invitae), Labcorp
Classification: Uncertain significance for Long QT syndrome. Last evaluated: 2024-10-06. Review status: criteria provided, single submitter. Criteria: Invitae Variant Classification Sherloc (09022015). Collection method: clinical testing. Allele origin: germline.
Comment: This sequence change replaces glutamic acid, which is acidic and polar, with glycine, which is neutral and non-polar, at codon 900 of the KCNH2 protein (p.Glu900Gly). This variant is not present in population databases (gnomAD no frequency). This variant has not been reported in the literature in individuals affected with KCNH2-related conditions. An algorithm developed to predict the effect of missense changes on protein structure and function (PolyPhen-2) suggests that this variant is likely to be tolerated. In summary, the available evidence is currently insufficient to determine the role of this variant in disease. Therefore, it has been classified as a Variant of Uncertain Significance.

NM_000238.4(KCNH2):c.2699A>G (p.Glu900Gly)

Gene: KCNH2 (potassium voltage-gated channel subfamily H member 2; minus strand). Cytogenetic location: 7q36.1.
Variant type: single nucleotide variant.
Coding change: c.2699A>G on transcript NM_000238.4 (MANE Select); coding-DNA position 2699, A replaced by G.
Protein change: p.Glu900Gly; replaces glutamic acid 900 with glycine.
Molecular consequence: missense variant.
Genome position (GRCh38, 1-based): chr7:150,947,872, T>C on the plus strand (A>G on the coding strand, the complement: KCNH2 is on the minus strand). VCF-style: chr7-150947872-T-C. GRCh37 (hg19) VCF-style: chr7-150644960-T-C.
Other names: c.2411A>G, p.Glu804Gly (NM_001406753.1); c.1679A>G, p.Glu560Gly (NM_172057.3); short protein forms E804G, E900G, E560G.
Identifiers: ClinVar variation 3722326 (VCV003722326.2).